The following is an entry in ClinVar:

ClinVar aggregate classification (germline): Likely pathogenic (1 of 4 stars; one submission).

Conditions:
Osteogenesis imperfecta, perinatal lethal (OI2). Also called: OSTEOGENESIS IMPERFECTA, TYPE II; VROLIK TYPE OF OSTEOGENESIS IMPERFECTA; OI, TYPE II; OSTEOGENESIS IMPERFECTA CONGENITA; Osteogenesis imperfecta type 2; Osteogenesis imperfecta, dominant perinatal lethal. Identifiers: Orphanet 216804, MedGen C0268358, MONDO:0008147, OMIM 166210.

Submission:

3billion
Classification: Likely pathogenic for Osteogenesis imperfecta, perinatal lethal. Last evaluated: 2023-07-26. Review status: criteria provided, single submitter. Criteria: ACMG Guidelines, 2015. Collection method: clinical testing. Allele origin: germline. Affected: yes.
Comment: The variant is not observed in the gnomAD v2.1.1 dataset. Predicted Consequence/Location: The variant is located in a mutational hot spot and/or well-established functional domain in which established pathogenic variants have been reported (PMID: 9016532, 17078022). Missense changes are a common disease-causing mechanism. In silico tool predictions suggest damaging effect of the variant on gene or gene product (REVEL: 0.99; 3Cnet: 0.98). Different missense changes at the same codon (p.Gly1039Asp, p.Gly1039Phe) have been reported to be associated with COL1A2-related disorder (ClinVar ID: VCV000994014 /PMID: 17078022, 21239989). Therefore, this variant is classified as Likely pathogenic according to the recommendation of ACMG/AMP guideline.

Literature cited by the submitters: PubMed 17078022; PubMed 9016532.

NM_000089.4(COL1A2):c.3116G>T (p.Gly1039Val)

Gene: COL1A2 (collagen type I alpha 2 chain; plus strand). Cytogenetic location: 7q21.3.
Variant type: single nucleotide variant.
Coding change: c.3116G>T on transcript NM_000089.4 (MANE Select); coding-DNA position 3116, G replaced by T.
Protein change: p.Gly1039Val; replaces glycine 1039 with valine.
Molecular consequence: missense variant.
Genome position (GRCh38, 1-based): chr7:94,427,018, G>T. VCF-style: chr7-94427018-G-T. GRCh37 (hg19) VCF-style: chr7-94056330-G-T.
Other names: short protein forms G1039V.
Identifiers: ClinVar variation 3775983 (VCV003775983.1).